The following is an entry in ClinVar:

ClinVar aggregate classification (germline): Uncertain significance (1 of 4 stars; one submission).

gnomAD v4.1: 22 of 1,613,384 alleles (0.0014%); highest among the groups gnomAD compares: Non-Finnish European, 0.0018%; no homozygotes.

Submission:

Labcorp Genetics (formerly Invitae), Labcorp
Classification: Uncertain significance. Last evaluated: 2024-12-16. Review status: criteria provided, single submitter. Criteria: Invitae Variant Classification Sherloc (09022015). Collection method: clinical testing. Allele origin: germline.
Comment: This sequence change replaces alanine, which is neutral and non-polar, with serine, which is neutral and polar, at codon 2010 of the MYO18B protein (p.Ala2010Ser). This variant is present in population databases (rs375075763, gnomAD 0.005%). This variant has not been reported in the literature in individuals affected with MYO18B-related conditions. An algorithm developed to predict the effect of missense changes on protein structure and function (PolyPhen-2) suggests that this variant is likely to be disruptive. In summary, the available evidence is currently insufficient to determine the role of this variant in disease. Therefore, it has been classified as a Variant of Uncertain Significance.

NM_032608.7(MYO18B):c.6028G>T (p.Ala2010Ser)

Gene: MYO18B (myosin XVIIIB; plus strand). Cytogenetic location: 22q12.1.
Variant type: single nucleotide variant.
Coding change: c.6028G>T on transcript NM_032608.7 (MANE Select); coding-DNA position 6028, G replaced by T.
Protein change: p.Ala2010Ser; replaces alanine 2010 with serine.
Molecular consequence: missense variant.
Genome position (GRCh38, 1-based): chr22:25,955,236, G>T. VCF-style: chr22-25955236-G-T. GRCh37 (hg19) VCF-style: chr22-26351202-G-T.
Other names: c.6031G>T, p.Ala2011Ser (NM_001318245.2); short protein forms A2010S, A2011S.
Identifiers: ClinVar variation 3614878 (VCV003614878.2).
Genomic context (GRCh38, chr22:25,955,236, plus strand): 5'-CAGGTCCTGGTGATCCGGCTTCGGGACAGCCTGATCAAGATGGGGGAGGAGCTTTCACAG[G>T]CGGCCACCTCCGAGTCCCAGCAGCGGGAGAGCAGCCAGTACTACCAGCGGCGCCTGGAAG-3'
Protein context (NP_115997.5, residues 2000-2020): LIKMGEELSQ[Ala2010Ser]ATSESQQRES